The following is an entry in ClinVar:

ClinVar aggregate classification (germline): Uncertain significance (1 of 4 stars; one submission).

Submission:

Labcorp Genetics (formerly Invitae), Labcorp
Classification: Uncertain significance. Last evaluated: 2024-12-25. Review status: criteria provided, single submitter. Criteria: Invitae Variant Classification Sherloc (09022015). Collection method: clinical testing. Allele origin: germline.
Comment: This sequence change replaces alanine, which is neutral and non-polar, with valine, which is neutral and non-polar, at codon 152 of the KLF10 protein (p.Ala152Val). This variant is present in population databases (rs757550894, gnomAD 0.01%). This variant has not been reported in the literature in individuals affected with KLF10-related conditions. An algorithm developed to predict the effect of missense changes on protein structure and function (PolyPhen-2) suggests that this variant is likely to be tolerated. Algorithms developed to predict the effect of sequence changes on RNA splicing suggest that this variant may create or strengthen a splice site. In summary, the available evidence is currently insufficient to determine the role of this variant in disease. Therefore, it has been classified as a Variant of Uncertain Significance.

NM_005655.4(KLF10):c.455C>T (p.Ala152Val)

Gene: KLF10 (KLF transcription factor 10; minus strand). Cytogenetic location: 8q22.3.
Variant type: single nucleotide variant.
Coding change: c.455C>T on transcript NM_005655.4 (MANE Select); coding-DNA position 455, C replaced by T.
Protein change: p.Ala152Val; replaces alanine 152 with valine.
Molecular consequence: missense variant.
Genome position (GRCh38, 1-based): chr8:102,651,877, G>A on the plus strand (C>T on the coding strand, the complement: KLF10 is on the minus strand). VCF-style: chr8-102651877-G-A. GRCh37 (hg19) VCF-style: chr8-103664105-G-A.
Other names: c.422C>T, p.Ala141Val (NM_001032282.4); short protein forms A141V, A152V.
Identifiers: ClinVar variation 3665022 (VCV003665022.2).